The following is an entry in ClinVar:

ClinVar aggregate classification (germline): Uncertain significance (1 of 4 stars; one submission).

Allele frequency attached by ClinVar (database versions not stated): ExAC 0.00001.
gnomAD v4.1: 47 of 1,613,106 alleles (0.0029%); highest among the groups gnomAD compares: Non-Finnish European, 0.0038%; no homozygotes.

Submission:

Labcorp Genetics (formerly Invitae), Labcorp
Classification: Uncertain significance. Last evaluated: 2022-07-02. Review status: criteria provided, single submitter. Criteria: Invitae Variant Classification Sherloc (09022015). Collection method: clinical testing. Allele origin: germline.
Comment: Algorithms developed to predict the effect of missense changes on protein structure and function (SIFT, PolyPhen-2, Align-GVGD) all suggest that this variant is likely to be tolerated. In summary, the available evidence is currently insufficient to determine the role of this variant in disease. Therefore, it has been classified as a Variant of Uncertain Significance. This variant has not been reported in the literature in individuals affected with SLC39A8-related conditions. This variant is present in population databases (rs745816619, gnomAD 0.005%). This sequence change replaces isoleucine, which is neutral and non-polar, with leucine, which is neutral and non-polar, at codon 178 of the SLC39A8 protein (p.Ile178Leu).

NM_001135146.2(SLC39A8):c.532A>C (p.Ile178Leu)

Gene: SLC39A8 (solute carrier family 39 member 8; minus strand). Cytogenetic location: 4q24.
Variant type: single nucleotide variant.
Coding change: c.532A>C on transcript NM_001135146.2 (MANE Select); coding-DNA position 532, A replaced by C.
Protein change: p.Ile178Leu; replaces isoleucine 178 with leucine.
Molecular consequence: missense variant.
Genome position (GRCh38, 1-based): chr4:102,307,456, T>G on the plus strand (A>C on the coding strand, the complement: SLC39A8 is on the minus strand). VCF-style: chr4-102307456-T-G. GRCh37 (hg19) VCF-style: chr4-103228613-T-G.
Other names: c.532A>C, p.Ile178Leu (NM_001135147.1, NM_022154.5); c.331A>C, p.Ile111Leu (NM_001135148.2); short protein forms I111L, I178L.
Identifiers: ClinVar variation 2070066 (VCV002070066.2), dbSNP rs745816619, ClinGen allele CA3025644.